The following is an entry in ClinVar:

ClinVar aggregate classification (germline): Conflicting classifications of pathogenicity. Review status: criteria provided, conflicting classifications (1 of 4 stars). 8 submissions from 8 submitters: Uncertain significance (1); Benign (2); Likely benign (5). Last evaluated 2025-12-08.

Conditions:
Hereditary cancer-predisposing syndrome. Also called: Tumor predisposition; Neoplastic Syndromes, Hereditary; Hereditary Cancer Syndrome; Hereditary neoplastic syndrome. Identifiers: Orphanet 140162, MedGen C0027672, MeSH D009386, MONDO:0015356.
Tuberous sclerosis syndrome (TSC). Also called: Tuberous Sclerosis Complex; Tuberous sclerosis. Identifiers: Orphanet 805, MedGen C0041341, MONDO:0001734.
Tuberous sclerosis 2 (TSC2). Identifiers: Orphanet 805, MedGen C1860707, MONDO:0013199, OMIM 613254.

Allele frequency attached by ClinVar (database versions not stated): gnomAD exomes below 0.00001; gnomAD 0.00001; TOPMed 0.00002.
gnomAD v4.1: 3 of 1,611,562 alleles (0.00019%); highest among the groups gnomAD compares: Admixed American, 0.0033%; no homozygotes.

Submissions (8):

Labcorp Genetics (formerly Invitae), Labcorp
Classification: Likely benign for Tuberous sclerosis 2. Last evaluated: 2025-12-08. Review status: criteria provided, single submitter. Criteria: Invitae Variant Classification Sherloc (09022015). Collection method: clinical testing. Allele origin: germline.

Myriad Genetics, Inc.
Classification: Benign for Tuberous sclerosis 2. Last evaluated: 2025-05-28. Review status: criteria provided, single submitter. Criteria: Myriad Autosomal Dominant, Autosomal Recessive and X-Linked Classification Criteria (2023). Collection method: clinical testing. Allele origin: unknown.
Comment: This variant is considered benign. This variant is a silent/synonymous amino acid change and it is not expected to impact splicing.

Women's Health and Genetics/Laboratory Corporation of America, LabCorp
Classification: Likely benign. Last evaluated: 2025-04-03. Review status: criteria provided, single submitter. Criteria: LabCorp Variant Classification Summary - May 2015. Collection method: clinical testing. Allele origin: germline.

Quest Diagnostics Nichols Institute San Juan Capistrano
Classification: Uncertain significance. Last evaluated: 2024-10-16. Review status: criteria provided, single submitter. Criteria: Quest Diagnostics criteria. Collection method: clinical testing. Allele origin: unknown.
Comment: The TSC2 c.3318G>A (p.Lys1106=) synonymous variant has not been reported in individuals with TSC2-related conditions in the published literature. The frequency of this variant in the general population, 0.0000073 (2/275790 chromosomes (Genome Aggregation Database)), is uninformative in the assessment of its pathogenicity. Analysis of this variant using software algorithms for the prediction of the effect of nucleotide changes on splicing yielded predictions that this variant does not affect TSC2 mRNA splicing. Based on the available information, we are unable to determine the clinical significance of this variant.

All of Us Research Program, National Institutes of Health
Classification: Likely benign for Tuberous sclerosis syndrome. Last evaluated: 2023-08-15. Review status: criteria provided, single submitter. Criteria: ACMG Guidelines, 2015. Collection method: clinical testing. Allele origin: germline. Inheritance: Autosomal dominant inheritance. Observed: 1 variant allele, 1 heterozygote.
Comment: This study involves interpretation of variants in research participants for the purpose of population health screening. Participant phenotype was not available at the time of variant classification. Additional details can be found in publication PMID: 35346344, PMCID: PMC8962531

Genome-Nilou Lab
Classification: Benign for Tuberous sclerosis 2. Last evaluated: 2021-11-07. Review status: criteria provided, single submitter. Criteria: ACMG Guidelines, 2015. Collection method: clinical testing. Allele origin: germline. Affected: no.

GeneDx
Classification: Likely benign. Last evaluated: 2021-05-28. Review status: criteria provided, single submitter. Criteria: GeneDx Variant Classification Process June 2021. Collection method: clinical testing. Allele origin: germline. Affected: yes.

Ambry Genetics
Classification: Likely benign for Hereditary cancer-predisposing syndrome. Last evaluated: 2019-12-30. Review status: criteria provided, single submitter. Criteria: Ambry Variant Classification Scheme 2023. Collection method: clinical testing. Allele origin: germline.

NM_000548.5(TSC2):c.3318G>A (p.Lys1106=)

Gene: TSC2 (TSC complex subunit 2; plus strand). Cytogenetic location: 16p13.3.
Variant type: single nucleotide variant.
Coding change: c.3318G>A on transcript NM_000548.5 (MANE Select); coding-DNA position 3318, G replaced by A.
Protein change: p.Lys1106=; no amino-acid change (lysine 1106 retained).
Molecular consequence: synonymous variant.
Genome position (GRCh38, 1-based): chr16:2,079,590, G>A. VCF-style: chr16-2079590-G-A. GRCh37 (hg19) VCF-style: chr16-2129591-G-A.
Other names: c.3186G>A, p.Lys1062= (NM_001077183.3, NM_001370404.1); c.3318G>A, p.Lys1106= (NM_001114382.3); c.3078G>A, p.Lys1026= (NM_001318827.2); c.3042G>A, p.Lys1014= (NM_001318829.2); c.2586G>A, p.Lys862= (NM_001318831.2); c.3219G>A, p.Lys1073= (NM_001318832.2); c.3189G>A, p.Lys1063= (NM_001363528.2, NM_001370405.1, NM_021055.3).
Identifiers: ClinVar variation 413738 (VCV000413738.24), dbSNP rs1060504119, ClinGen allele CA16615112.